The following is an entry in ClinVar:

ClinVar aggregate classification (germline): Conflicting classifications of pathogenicity. Review status: criteria provided, conflicting classifications (1 of 4 stars). 2 submissions from 2 submitters: Uncertain significance (1); Likely benign (1). Last evaluated 2023-03-23.

Conditions:
Hereditary breast ovarian cancer syndrome. Also called: Hereditary breast and ovarian cancer syndrome; Breast and ovarian cancer; BRCA1- and BRCA2-Associated Hereditary Breast and Ovarian Cancer; Hereditary breast and ovarian cancer; Hereditary breast and/or ovarian cancer syndrome; Hereditary breast and ovarian cancer syndrome (HBOC). Identifiers: Orphanet 145, MedGen C0677776, MeSH D061325, MONDO:0003582. Disease mechanism: loss of function.
Hereditary cancer-predisposing syndrome. Also called: Hereditary neoplastic syndrome; Neoplastic Syndromes, Hereditary; Tumor predisposition; Hereditary Cancer Syndrome. Identifiers: Orphanet 140162, MedGen C0027672, MeSH D009386, MONDO:0015356.

Allele frequency attached by ClinVar (database versions not stated): gnomAD exomes below 0.00001.
gnomAD v4.1: 1 of 1,613,380 alleles (0.000062%); highest among the groups gnomAD compares: Non-Finnish European, 0.000085%; no homozygotes.

Submissions (2):

University of Washington Department of Laboratory Medicine, University of Washington
Classification: Likely benign for Hereditary cancer-predisposing syndrome. Last evaluated: 2023-03-23. Review status: criteria provided, single submitter. Criteria: Dines et al. (Genet Med. 2020). Collection method: curation. Allele origin: germline.
Comment: Missense variant in a coldspot region where missense variants are very unlikely to be pathogenic (PMID:31911673).

BRCA2 exon 10 coldspot. Reclassification based on statistical prior probability.

Labcorp Genetics (formerly Invitae), Labcorp
Classification: Uncertain significance for Hereditary breast ovarian cancer syndrome. Last evaluated: 2022-10-27. Review status: criteria provided, single submitter. Criteria: Invitae Variant Classification Sherloc (09022015). Collection method: clinical testing. Allele origin: germline.
Comment: In summary, the available evidence is currently insufficient to determine the role of this variant in disease. Therefore, it has been classified as a Variant of Uncertain Significance. Advanced modeling of protein sequence and biophysical properties (such as structural, functional, and spatial information, amino acid conservation, physicochemical variation, residue mobility, and thermodynamic stability) performed at Invitae indicates that this missense variant is not expected to disrupt BRCA2 protein function. ClinVar contains an entry for this variant (Variation ID: 837011). This variant has not been reported in the literature in individuals affected with BRCA2-related conditions. This variant is not present in population databases (gnomAD no frequency). This sequence change replaces isoleucine, which is neutral and non-polar, with valine, which is neutral and non-polar, at codon 580 of the BRCA2 protein (p.Ile580Val).

NM_000059.4(BRCA2):c.1738A>G (p.Ile580Val)

Gene: BRCA2 (BRCA2 DNA repair associated; plus strand). Cytogenetic location: 13q13.1.
Variant type: single nucleotide variant.
Coding change: c.1738A>G on transcript NM_000059.4 (MANE Select); coding-DNA position 1738, A replaced by G.
Protein change: p.Ile580Val; replaces isoleucine 580 with valine.
Molecular consequence: missense variant.
Genome position (GRCh38, 1-based): chr13:32,333,216, A>G. VCF-style: chr13-32333216-A-G. GRCh37 (hg19) VCF-style: chr13-32907353-A-G.
Other names: short protein forms I580V.
Identifiers: ClinVar variation 837011 (VCV000837011.11), dbSNP rs2072420748, ClinGen allele CA387765425.
Genomic context (GRCh38, chr13:32,333,216, plus strand): 5'-AATGGAAGCTGGCCAGCCACCACCACACAGAATTCTGTAGCTTTGAAGAATGCAGGTTTA[A>G]TATCCACTTTGAAAAAGAAAACAAATAAGTTTATTTATGCTATACATGATGAAACATCTT-3'
Protein context (NP_000050.3, residues 570-590): NSVALKNAGL[Ile580Val]STLKKKTNKF